The following is an entry in ClinVar:

NM_033183.3(CGB8):c.450T>C (p.Ser150=)

Gene: CGB8 (chorionic gonadotropin subunit beta 8; minus strand). Cytogenetic location: 19q13.33.
Variant type: single nucleotide variant.
Coding change: c.450T>C on transcript NM_033183.3 (MANE Select); coding-DNA position 450, T replaced by C.
Protein change: p.Ser150=; no amino-acid change (serine 150 retained).
Molecular consequence: synonymous variant.
Genome position (GRCh38, 1-based): chr19:49,047,703, A>G on the plus strand (T>C on the coding strand, the complement: CGB8 is on the minus strand). VCF-style: chr19-49047703-A-G. GRCh37 (hg19) VCF-style: chr19-49550960-A-G.
Identifiers: ClinVar variation 3777975 (VCV003777975.7).

ClinVar aggregate classification (germline): Likely benign (1 of 4 stars; one submission).

Submission:

CeGaT Center for Human Genetics Tuebingen
Classification: Likely benign. Last evaluated: 2026-05-01. Review status: criteria provided, single submitter. Criteria: CeGaT Center For Human Genetics Tuebingen Variant Classification Criteria Version 2. Collection method: clinical testing. Allele origin: germline. Affected: yes. Observed: 6 variant alleles.
Comment: CGB8: BP4, BP7